The following is an entry in ClinVar:

ClinVar aggregate classification (germline): Likely benign. Review status: criteria provided, multiple submitters, no conflicts (2 of 4 stars). 3 submissions from 3 submitters: Likely benign (3). Last evaluated 2026-09-01.

Allele frequency attached by ClinVar (database versions not stated): 1000 Genomes Project 0.00140; 1000 Genomes Project 30x 0.00156; gnomAD 0.00205 and 0.00210; TOPMed 0.00211; gnomAD exomes 0.00240; ExAC 0.00272; ESP Exome Variant Server 0.00303.
gnomAD v4.1: 5,800 of 1,609,168 alleles (0.36%); highest among the groups gnomAD compares: Non-Finnish European, 0.45%; 17 homozygotes.

Submissions (3):

CeGaT Center for Human Genetics Tuebingen
Classification: Likely benign. Last evaluated: 2026-09-01. Review status: criteria provided, single submitter. Criteria: CeGaT Center For Human Genetics Tuebingen Variant Classification Criteria Version 2. Collection method: clinical testing. Allele origin: germline. Affected: yes. Observed: 4 variant alleles.
Comment: ARVCF: BS2

Labcorp Genetics (formerly Invitae), Labcorp
Classification: Likely benign. Last evaluated: 2018-07-27. Review status: criteria provided, single submitter. Criteria: Invitae Variant Classification Sherloc (09022015). Collection method: clinical testing. Allele origin: germline.

Breakthrough Genomics
Classification: Likely benign. Review status: criteria provided, single submitter. Criteria: ACMG Guidelines, 2015. Collection method: not provided. Allele origin: germline. Inheritance: Unknown mechanism. Affected: yes.

NM_001670.3(ARVCF):c.448G>A (p.Asp150Asn)

Gene: ARVCF (ARVCF delta catenin family member; minus strand). Cytogenetic location: 22q11.21.
Variant type: single nucleotide variant.
Coding change: c.448G>A on transcript NM_001670.3 (MANE Select); coding-DNA position 448, G replaced by A.
Protein change: p.Asp150Asn; replaces aspartic acid 150 with asparagine.
Molecular consequence: missense variant.
Genome position (GRCh38, 1-based): chr22:19,981,659, C>T on the plus strand (G>A on the coding strand, the complement: ARVCF is on the minus strand). VCF-style: chr22-19981659-C-T. GRCh37 (hg19) VCF-style: chr22-19969182-C-T.
Other names: short protein forms D150N.
Identifiers: ClinVar variation 778198 (VCV000778198.14), dbSNP rs113625788, ClinGen allele CA10105883.